The following is an entry in ClinVar:

NM_005901.6(SMAD2):c.1082A>C (p.Asn361Thr)

Gene: SMAD2 (SMAD family member 2; minus strand). Cytogenetic location: 18q21.1.
Variant type: single nucleotide variant.
Coding change: c.1082A>C on transcript NM_005901.6 (MANE Select); coding-DNA position 1082, A replaced by C.
Protein change: p.Asn361Thr; replaces asparagine 361 with threonine.
Molecular consequence: missense variant.
Genome position (GRCh38, 1-based): chr18:47,845,716, T>G on the plus strand (A>C on the coding strand, the complement: SMAD2 is on the minus strand). VCF-style: chr18-47845716-T-G. GRCh37 (hg19) VCF-style: chr18-45372087-T-G.
Other names: N361T; c.1082A>C, p.Asn361Thr (NM_001003652.4); c.992A>C, p.Asn331Thr (NM_001135937.3); c.1082A>C (NM_005901.5); short protein forms N331T.
Identifiers: ClinVar variation 1327538 (VCV001327538.3), dbSNP rs2144290354, ClinGen allele CA402504022.

ClinVar aggregate classification (germline): Uncertain significance. Review status: criteria provided, single submitter (1 of 4 stars). 2 submissions from 2 submitters: Uncertain significance (1). 1 of the submissions does not count toward it. Last evaluated 2026-01-20.

Conditions:
Loeys-Dietz syndrome 6. Identifiers: MedGen C5562041, MONDO:0030500, OMIM 619656.

Submissions (2):

GeneDx
Classification: Uncertain significance. Last evaluated: 2026-01-20. Review status: criteria provided, single submitter. Criteria: GeneDx Variant Classification Process June 2021. Collection method: clinical testing. Allele origin: germline.
Comment: Not observed at significant frequency in large population cohorts (gnomAD); In silico analysis supports that this missense variant has a deleterious effect on protein structure/function; Identified in a patient with enlarged arm span, broad uvula, pes plani, pectus asymmetry, mild scoliosis, tortuosity of the common iliac arteries, and spontaneous coronary artery dissection, but it is unknown whether this individual was tested for variants in other genes associated with artery dissection and/or connective tissue disorders (PMID: 30448172); This variant is associated with the following publications: (PMID: 29392890, 38399505, 29967133, 30448172, 32897753)

OMIM
Classification: Pathogenic for LOEYS-DIETZ SYNDROME 6. Last evaluated: 2021-12-10. Review status: no assertion criteria provided. Collection method: literature only. Allele origin: germline. Not counted in ClinVar's aggregate classification.

Literature cited by the submitters: PubMed 29967133 (cited by OMIM).